The following is an entry in ClinVar:

NM_005901.6(SMAD2):c.812C>T (p.Pro271Leu)

Gene: SMAD2 (SMAD family member 2; minus strand). Cytogenetic location: 18q21.1.
Variant type: single nucleotide variant.
Coding change: c.812C>T on transcript NM_005901.6 (MANE Select); coding-DNA position 812, C replaced by T.
Protein change: p.Pro271Leu; replaces proline 271 with leucine.
Molecular consequence: missense variant.
Genome position (GRCh38, 1-based): chr18:47,848,660, G>A on the plus strand (C>T on the coding strand, the complement: SMAD2 is on the minus strand). VCF-style: chr18-47848660-G-A. GRCh37 (hg19) VCF-style: chr18-45375031-G-A.
Other names: c.812C>T, p.Pro271Leu (NM_001003652.4); c.722C>T, p.Pro241Leu (NM_001135937.3); short protein forms P241L, P271L.
Identifiers: ClinVar variation 3368534 (VCV003368534.2).
Genomic context (GRCh38, chr18:47,848,660, plus strand): 5'-TGGAAGGTTTCTCCAACCCTCTGATTTAATTCATAATATGCTATCGAACACCAAAATGCA[G>A]GTTCTGAGTAAGTAACTGGCTGTAAATCTGAAAAAGAAAAAAATAAAAAAATAATAAAAG-3'
Protein context (NP_005892.1, residues 261-281): LDLQPVTYSE[Pro271Leu]AFWCSIAYYE

ClinVar aggregate classification (germline): Uncertain significance (1 of 4 stars; one submission).

Submission:

GeneDx
Classification: Uncertain significance. Last evaluated: 2026-09-25. Review status: criteria provided, single submitter. Criteria: GeneDx Variant Classification Process June 2021. Collection method: clinical testing. Allele origin: germline.
Comment: Not observed at significant frequency in large population cohorts (gnomAD); In silico analysis supports that this missense variant has a deleterious effect on protein structure/function; Has not been previously published as pathogenic or benign to our knowledge